The following is an entry in ClinVar:

NM_000065.5(C6):c.2522G>A (p.Arg841His)

Gene: C6 (complement C6; minus strand). Cytogenetic location: 5p13.1.
Variant type: single nucleotide variant.
Coding change: c.2522G>A on transcript NM_000065.5 (MANE Select); coding-DNA position 2522, G replaced by A.
Protein change: p.Arg841His; replaces arginine 841 with histidine.
Molecular consequence: missense variant.
Genome position (GRCh38, 1-based): chr5:41,149,342, C>T on the plus strand (G>A on the coding strand, the complement: C6 is on the minus strand). VCF-style: chr5-41149342-C-T. GRCh37 (hg19) VCF-style: chr5-41149444-C-T.
Other names: c.2522G>A, p.Arg841His (NM_001115131.4); c.2522G>A (NM_000065.2); short protein forms R841H.
Identifiers: ClinVar variation 1503597 (VCV001503597.8), dbSNP rs763860114, ClinGen allele CA3252087.

ClinVar aggregate classification (germline): Uncertain significance. Review status: criteria provided, multiple submitters, no conflicts (2 of 4 stars). 2 submissions from 2 submitters: Uncertain significance (2). Last evaluated 2026-01-24.

Conditions:
Inborn genetic diseases. Identifiers: MedGen C0950123, MeSH D030342.

Allele frequency attached by ClinVar (database versions not stated): gnomAD 0.00001; ExAC 0.00002; gnomAD exomes 0.00002.
gnomAD v4.1: 22 of 1,613,898 alleles (0.0014%); highest among the groups gnomAD compares: African/African-American, 0.0027%; no homozygotes.

Submissions (2):

Labcorp Genetics (formerly Invitae), Labcorp
Classification: Uncertain significance. Last evaluated: 2026-01-24. Review status: criteria provided, single submitter. Criteria: Invitae Variant Classification Sherloc (09022015). Collection method: clinical testing. Allele origin: germline.
Comment: This sequence change replaces arginine, which is basic and polar, with histidine, which is basic and polar, at codon 841 of the C6 protein (p.Arg841His). This variant is present in population databases (rs763860114, gnomAD 0.004%). This variant has not been reported in the literature in individuals affected with C6-related conditions. ClinVar contains an entry for this variant (Variation ID: 1503597). An algorithm developed to predict the effect of missense changes on protein structure and function (PolyPhen-2) suggests that this variant is likely to be tolerated. In summary, the available evidence is currently insufficient to determine the role of this variant in disease. Therefore, it has been classified as a Variant of Uncertain Significance.

Ambry Genetics
Classification: Uncertain significance for Inborn genetic diseases. Last evaluated: 2025-04-03. Review status: criteria provided, single submitter. Criteria: Ambry Variant Classification Scheme 2023. Collection method: clinical testing. Allele origin: germline.